The following is an entry in ClinVar:

ClinVar aggregate classification (germline): Uncertain significance (1 of 4 stars; one submission).

gnomAD v4.1: 4 of 1,614,132 alleles (0.00025%); highest among the groups gnomAD compares: Admixed American, 0.0067%; no homozygotes.

Submission:

Labcorp Genetics (formerly Invitae), Labcorp
Classification: Uncertain significance. Last evaluated: 2024-05-13. Review status: criteria provided, single submitter. Criteria: Invitae Variant Classification Sherloc (09022015). Collection method: clinical testing. Allele origin: germline.
Comment: This sequence change replaces isoleucine, which is neutral and non-polar, with valine, which is neutral and non-polar, at codon 432 of the ARHGAP24 protein (p.Ile432Val). This variant is present in population databases (rs756304543, gnomAD 0.01%). This variant has not been reported in the literature in individuals affected with ARHGAP24-related conditions. An algorithm developed to predict the effect of missense changes on protein structure and function (PolyPhen-2) suggests that this variant is likely to be disruptive. In summary, the available evidence is currently insufficient to determine the role of this variant in disease. Therefore, it has been classified as a Variant of Uncertain Significance.

NM_001025616.3(ARHGAP24):c.1294A>G (p.Ile432Val)

Gene: ARHGAP24 (Rho GTPase activating protein 24; plus strand). Cytogenetic location: 4q21.23.
Variant type: single nucleotide variant.
Coding change: c.1294A>G on transcript NM_001025616.3 (MANE Select); coding-DNA position 1294, A replaced by G.
Protein change: p.Ile432Val; replaces isoleucine 432 with valine.
Molecular consequence: missense variant.
Genome position (GRCh38, 1-based): chr4:85,994,948, A>G. VCF-style: chr4-85994948-A-G. GRCh37 (hg19) VCF-style: chr4-86916101-A-G.
Other names: c.1009A>G, p.Ile337Val (NM_001042669.2); c.1039A>G, p.Ile347Val (NM_001287805.2); c.715A>G, p.Ile239Val (NM_001346093.2); c.1015A>G, p.Ile339Val (NM_031305.3); short protein forms I239V, I337V, I339V, I347V, I432V.
Identifiers: ClinVar variation 3623157 (VCV003623157.2).